The following is an entry in ClinVar:

ClinVar aggregate classification (germline): Uncertain significance (1 of 4 stars; one submission).

Conditions:
Hereditary cancer-predisposing syndrome. Also called: Tumor predisposition; Hereditary Cancer Syndrome; Hereditary neoplastic syndrome; Neoplastic Syndromes, Hereditary. Identifiers: Orphanet 140162, MedGen C0027672, MeSH D009386, MONDO:0015356.

Allele frequency attached by ClinVar (database versions not stated): gnomAD exomes below 0.00001.
gnomAD v4.1: 1 of 1,604,448 alleles (0.000062%); highest among the groups gnomAD compares: Non-Finnish European, 0.000085%; no homozygotes.

Submission:

Ambry Genetics
Classification: Uncertain significance for Hereditary cancer-predisposing syndrome. Last evaluated: 2023-09-02. Review status: criteria provided, single submitter. Criteria: Ambry Variant Classification Scheme 2023. Collection method: clinical testing. Allele origin: germline.
Comment: The p.G334A variant (also known as c.1001G>C), located in coding exon 5 of the SMARCA4 gene, results from a G to C substitution at nucleotide position 1001. The glycine at codon 334 is replaced by alanine, an amino acid with similar properties. This amino acid position is highly conserved in available vertebrate species. In addition, the in silico prediction for this alteration is inconclusive. Missense and in-frame variants in SMARCA4 are known to cause neurodevelopmental disorders; however, such associations with rhabdoid tumor predisposition syndrome including small cell carcinoma of the ovary-hypercalcemic type (SCCOHT) are exceedingly rare (Kosho T et al. Am J Med Genet C Semin Med Genet. 2014 Sep;166C(3):262-75; Jelinic P et al. Nat Genet. 2014 May;46(5):424-6). Based on the supporting evidence, the association of this alteration with Coffin-Siris syndrome is unknown; however, the association of this alteration with rhabdoid tumor predisposition syndrome is unlikely.

NM_003072.5(SMARCA4):c.1001G>C (p.Gly334Ala)

Gene: SMARCA4 (SWI/SNF related BAF chromatin remodeling complex subunit ATPase 4; plus strand). Cytogenetic location: 19p13.2.
Variant type: single nucleotide variant.
Coding change: c.1001G>C on transcript NM_003072.5 (MANE Select); coding-DNA position 1001, G replaced by C.
Protein change: p.Gly334Ala; replaces glycine 334 with alanine.
Molecular consequence: missense variant. On other transcripts: non-coding transcript variant (1).
Genome position (GRCh38, 1-based): chr19:10,987,807, G>C. VCF-style: chr19-10987807-G-C. GRCh37 (hg19) VCF-style: chr19-11098483-G-C.
Other names: c.1001G>C, p.Gly334Ala (NM_001128844.3, NM_001128845.2, NM_001128846.2 and 6 more transcripts); short protein forms G334A.
Identifiers: ClinVar variation 2587148 (VCV002587148.2), dbSNP rs2145818886, ClinGen allele CA404058612.